The following is an entry in ClinVar:

NM_015404.4(WHRN):c.1541G>A (p.Gly514Glu)

Gene: WHRN (whirlin; minus strand). Cytogenetic location: 9q32.
Variant type: single nucleotide variant.
Coding change: c.1541G>A on transcript NM_015404.4 (MANE Select); coding-DNA position 1541, G replaced by A.
Protein change: p.Gly514Glu; replaces glycine 514 with glutamic acid.
Molecular consequence: missense variant.
Genome position (GRCh38, 1-based): chr9:114,423,399, C>T on the plus strand (G>A on the coding strand, the complement: WHRN is on the minus strand). VCF-style: chr9-114423399-C-T. GRCh37 (hg19) VCF-style: chr9-117185679-C-T.
Other names: c.392G>A, p.Gly131Glu (NM_001083885.3); c.1541G>A, p.Gly514Glu (NM_001173425.2); c.488G>A, p.Gly163Glu (NM_001346890.1); short protein forms G131E, G163E, G514E.
Identifiers: ClinVar variation 1475878 (VCV001475878.3), dbSNP rs1233678073, ClinGen allele CA374607158.
Genomic context (GRCh38, chr9:114,423,399, plus strand): 5'-GTGCCGTGGCTGCCTGTGGATGAACCCGTGTCACTGTAGGAGACCATGGAGTAGGTGTCC[C>T]CAGCCCCGGGGCCTGGGGGCTGCCGCGCCTTCATGGACTCAATCTCACGCCTCAGCACCA-3'
Protein context (NP_056219.3, residues 504-524): KARQPPGPGA[Gly514Glu]DTYSMVSYSD

ClinVar aggregate classification (germline): Uncertain significance (1 of 4 stars; one submission).

Allele frequency attached by ClinVar (database versions not stated): gnomAD 0.00001; TOPMed 0.00001.
gnomAD v4.1: 1 of 1,613,920 alleles (0.000062%); highest among the groups gnomAD compares: African/African-American, 0.0013%; no homozygotes.

Submission:

Labcorp Genetics (formerly Invitae), Labcorp
Classification: Uncertain significance. Last evaluated: 2021-11-27. Review status: criteria provided, single submitter. Criteria: Invitae Variant Classification Sherloc (09022015). Collection method: clinical testing. Allele origin: germline.
Comment: This sequence change replaces glycine, which is neutral and non-polar, with glutamic acid, which is acidic and polar, at codon 514 of the WHRN protein (p.Gly514Glu). This variant is present in population databases (no rsID available, gnomAD 0.01%). This variant has not been reported in the literature in individuals affected with WHRN-related conditions. Algorithms developed to predict the effect of missense changes on protein structure and function (SIFT, PolyPhen-2, Align-GVGD) all suggest that this variant is likely to be tolerated. In summary, the available evidence is currently insufficient to determine the role of this variant in disease. Therefore, it has been classified as a Variant of Uncertain Significance.